The following is an entry in ClinVar:

NM_000135.4(FANCA):c.2332G>T (p.Ala778Ser)

Gene: FANCA (FA complementation group A; minus strand). Cytogenetic location: 16q24.3.
Variant type: single nucleotide variant.
Coding change: c.2332G>T on transcript NM_000135.4 (MANE Select); coding-DNA position 2332, G replaced by T.
Protein change: p.Ala778Ser; replaces alanine 778 with serine.
Molecular consequence: missense variant.
Genome position (GRCh38, 1-based): chr16:89,770,009, C>A on the plus strand (G>T on the coding strand, the complement: FANCA is on the minus strand). VCF-style: chr16-89770009-C-A. GRCh37 (hg19) VCF-style: chr16-89836417-C-A.
Other names: c.2332G>T, p.Ala778Ser (NM_001286167.3); short protein forms A778S.
Identifiers: ClinVar variation 3512693 (VCV003512693.1).

ClinVar aggregate classification (germline): Uncertain significance (1 of 4 stars; one submission).

Conditions:
Inborn genetic diseases. Identifiers: MedGen C0950123, MeSH D030342.

Submission:

Ambry Genetics
Classification: Uncertain significance for Inborn genetic diseases. Last evaluated: 2024-11-30. Review status: criteria provided, single submitter. Criteria: Ambry Variant Classification Scheme 2023. Collection method: clinical testing. Allele origin: germline.
Comment: The p.A778S variant (also known as c.2332G>T), located in coding exon 26 of the FANCA gene, results from a G to T substitution at nucleotide position 2332. The alanine at codon 778 is replaced by serine, an amino acid with similar properties. This amino acid position is conserved. In addition, this alteration is predicted to be tolerated by in silico analysis. Based on the available evidence, the clinical significance of this variant remains unclear.